The following is an entry in ClinVar:

ClinVar aggregate classification (germline): Uncertain significance. Review status: criteria provided, multiple submitters, no conflicts (2 of 4 stars). 2 submissions from 2 submitters: Uncertain significance (2). Last evaluated 2024-03-02.

Conditions:
Colorectal cancer, hereditary nonpolyposis, type 7. Identifiers: Orphanet 144, MedGen C1858380, MONDO:0013725, OMIM 614385.

gnomAD v4.1: 6 of 1,614,170 alleles (0.00037%); highest among the groups gnomAD compares: South Asian, 0.0011%; no homozygotes.

Submissions (2):

Ambry Genetics
Classification: Uncertain significance. Last evaluated: 2024-03-02. Review status: criteria provided, single submitter. Criteria: Ambry Variant Classification Scheme 2023. Collection method: clinical testing. Allele origin: germline.
Comment: The p.T1071A variant (also known as c.3211A>G), located in coding exon 1 of the MLH3 gene, results from an A to G substitution at nucleotide position 3211. The threonine at codon 1071 is replaced by alanine, an amino acid with similar properties. This amino acid position is conserved. In addition, this alteration is predicted to be tolerated by in silico analysis. Since supporting evidence is limited at this time, the clinical significance of this alteration remains unclear.

Labcorp Genetics (formerly Invitae), Labcorp
Classification: Uncertain significance for Colorectal cancer, hereditary nonpolyposis, type 7. Last evaluated: 2022-11-23. Review status: criteria provided, single submitter. Criteria: Invitae Variant Classification Sherloc (09022015). Collection method: clinical testing. Allele origin: germline.
Comment: In summary, the available evidence is currently insufficient to determine the role of this variant in disease. Therefore, it has been classified as a Variant of Uncertain Significance. Algorithms developed to predict the effect of missense changes on protein structure and function output the following: SIFT: "Tolerated"; PolyPhen-2: "Benign"; Align-GVGD: "Class C0". The alanine amino acid residue is found in multiple mammalian species, which suggests that this missense change does not adversely affect protein function. This sequence change replaces threonine, which is neutral and polar, with alanine, which is neutral and non-polar, at codon 1071 of the MLH3 protein (p.Thr1071Ala). This variant is not present in population databases (gnomAD no frequency). This variant has not been reported in the literature in individuals affected with MLH3-related conditions. ClinVar contains an entry for this variant (Variation ID: 663585).

NM_001040108.2(MLH3):c.3211A>G (p.Thr1071Ala)

Gene: MLH3 (mutL homolog 3; minus strand). Cytogenetic location: 14q24.3.
Variant type: single nucleotide variant.
Coding change: c.3211A>G on transcript NM_001040108.2 (MANE Select); coding-DNA position 3211, A replaced by G.
Protein change: p.Thr1071Ala; replaces threonine 1071 with alanine.
Molecular consequence: missense variant.
Genome position (GRCh38, 1-based): chr14:75,046,445, T>C on the plus strand (A>G on the coding strand, the complement: MLH3 is on the minus strand). VCF-style: chr14-75046445-T-C. GRCh37 (hg19) VCF-style: chr14-75513148-T-C.
Other names: c.3211A>G, p.Thr1071Ala (NM_014381.3); short protein forms T1071A.
Identifiers: ClinVar variation 663585 (VCV000663585.11), dbSNP rs1595082664, ClinGen allele CA390434943.